The following is an entry in ClinVar:

ClinVar aggregate classification (germline): Benign/Likely benign. Review status: criteria provided, multiple submitters, no conflicts (2 of 4 stars). 3 submissions from 3 submitters: Benign (1); Likely benign (2). Last evaluated 2024-10-30.

Conditions:
Prostate cancer, hereditary, 9 (HPC9). Identifiers: Orphanet 1331, MedGen C1970250, MONDO:0012597, OMIM 610997.
Hereditary cancer-predisposing syndrome. Also called: Neoplastic Syndromes, Hereditary; Tumor predisposition; Hereditary neoplastic syndrome; Hereditary Cancer Syndrome. Identifiers: Orphanet 140162, MedGen C0027672, MeSH D009386, MONDO:0015356.

Allele frequency attached by ClinVar (database versions not stated): gnomAD 0.00001; TOPMed 0.00001.
gnomAD v4.1: 1 of 1,614,058 alleles (0.000062%); highest among the groups gnomAD compares: African/African-American, 0.0013%; no homozygotes.

Submissions (3):

Myriad Genetics, Inc.
Classification: Benign for Prostate cancer, hereditary, 9. Last evaluated: 2024-10-30. Review status: criteria provided, single submitter. Criteria: Myriad Autosomal Dominant, Autosomal Recessive and X-Linked Classification Criteria (2023). Collection method: clinical testing. Allele origin: unknown.
Comment: This variant is considered benign. This variant is a silent/synonymous amino acid change and it is not expected to impact splicing.

Labcorp Genetics (formerly Invitae), Labcorp
Classification: Likely benign. Last evaluated: 2024-07-29. Review status: criteria provided, single submitter. Criteria: Invitae Variant Classification Sherloc (09022015). Collection method: clinical testing. Allele origin: germline.

Ambry Genetics
Classification: Likely benign for Hereditary cancer-predisposing syndrome. Last evaluated: 2018-03-21. Review status: criteria provided, single submitter. Criteria: Ambry Variant Classification Scheme 2023. Collection method: clinical testing. Allele origin: germline.

NM_006361.6(HOXB13):c.468A>G (p.Gly156=)

Gene: HOXB13 (homeobox B13; minus strand). Cytogenetic location: 17q21.32.
Variant type: single nucleotide variant.
Coding change: c.468A>G on transcript NM_006361.6 (MANE Select); coding-DNA position 468, A replaced by G.
Protein change: p.Gly156=; no amino-acid change (glycine 156 retained).
Molecular consequence: synonymous variant.
Genome position (GRCh38, 1-based): chr17:48,728,126, T>C on the plus strand (A>G on the coding strand, the complement: HOXB13 is on the minus strand). VCF-style: chr17-48728126-T-C. GRCh37 (hg19) VCF-style: chr17-46805488-T-C.
Identifiers: ClinVar variation 825098 (VCV000825098.13), dbSNP rs902238751, ClinGen allele CA291350289.
Genomic context (GRCh38, chr17:48,728,126, plus strand): 5'-ACCAGCGAGAGCCCAAGACTGGTAACTGTCCACAGGCAACAGGGAGTCATGTCGCGGTTC[T>C]CCAGGAGCACCCAGAGTCTGCACCACAGACACGTCCAGGTAACTGGCCATAGGCTGGTAG-3'
Protein context (NP_006352.2, residues 146-166): VSVVQTLGAP[Gly156=]EPRHDSLLPV